The following is an entry in ClinVar:

ClinVar aggregate classification (germline): Likely benign. Review status: criteria provided, multiple submitters, no conflicts (2 of 4 stars). 5 submissions from 5 submitters: Likely benign (5). Last evaluated 2025-12-15.

Conditions:
Hypertrophic cardiomyopathy 10. Also called: CARDIOMYOPATHY, HYPERTROPHIC, MID-LEFT VENTRICULAR CHAMBER TYPE, 2; MYL2-Related Familial Hypertrophic Cardiomyopathy. Identifiers: MedGen C1834460, MONDO:0012112, OMIM 608758.
Cardiovascular phenotype. Identifiers: MedGen CN230736.
Cardiomyopathy (CMYO). Also called: Cardiomyopathies. Identifiers: Orphanet 167848, MedGen C0878544, MONDO:0004994, HP:0001638. Inheritance: Various modes of inheritance.
Hypertrophic cardiomyopathy. Also called: HYPERTROPHIC MYOCARDIOPATHY. Identifiers: Orphanet 217569, MedGen C0007194, MeSH D002312, MONDO:0005045, HP:0001639.

Allele frequency attached by ClinVar (database versions not stated): gnomAD 0.00001; gnomAD exomes 0.00001 and 0.00002; ExAC 0.00002; TOPMed 0.00002.
gnomAD v4.1: 11 of 1,614,112 alleles (0.00068%); highest among the groups gnomAD compares: Non-Finnish European, 0.00085%; no homozygotes.

Submissions (5):

Labcorp Genetics (formerly Invitae), Labcorp
Classification: Likely benign for Hypertrophic cardiomyopathy 10. Last evaluated: 2025-12-15. Review status: criteria provided, single submitter. Criteria: Invitae Variant Classification Sherloc (09022015). Collection method: clinical testing. Allele origin: germline.

Ambry Genetics
Classification: Likely benign for Cardiovascular phenotype. Last evaluated: 2025-03-04. Review status: criteria provided, single submitter. Criteria: Ambry Variant Classification Scheme 2023. Collection method: clinical testing. Allele origin: germline.

All of Us Research Program, National Institutes of Health
Classification: Likely benign for Hypertrophic cardiomyopathy. Last evaluated: 2023-12-13. Review status: criteria provided, single submitter. Criteria: ACMG Guidelines, 2015. Collection method: clinical testing. Allele origin: germline. Inheritance: Autosomal dominant inheritance. Observed: 5 variant alleles, 5 heterozygotes.
Comment: This study involves interpretation of variants in research participants for the purpose of population health screening. Participant phenotype was not available at the time of variant classification. Additional details can be found in publication PMID: 35346344, PMCID: PMC8962531

Color Diagnostics, LLC DBA Color Health
Classification: Likely benign for Cardiomyopathy. Last evaluated: 2019-11-20. Review status: criteria provided, single submitter. Criteria: ACMG Guidelines, 2015. Collection method: clinical testing. Allele origin: germline.

GeneDx
Classification: Likely benign. Last evaluated: 2017-09-28. Review status: criteria provided, single submitter. Criteria: GeneDx Variant Classification (06012015). Collection method: clinical testing. Allele origin: germline. Affected: yes.
Comment: This variant is considered likely benign or benign based on one or more of the following criteria: it is a conservative change, it occurs at a poorly conserved position in the protein, it is predicted to be benign by multiple in silico algorithms, and/or has population frequency not consistent with disease.

NM_000432.4(MYL2):c.315G>C (p.Val105=)

Gene: MYL2 (myosin light chain 2; minus strand). Cytogenetic location: 12q24.11.
Variant type: single nucleotide variant.
Coding change: c.315G>C on transcript NM_000432.4 (MANE Select); coding-DNA position 315, G replaced by C.
Protein change: p.Val105=; no amino-acid change (valine 105 retained).
Molecular consequence: synonymous variant.
Genome position (GRCh38, 1-based): chr12:110,913,284, C>G on the plus strand (G>C on the coding strand, the complement: MYL2 is on the minus strand). VCF-style: chr12-110913284-C-G. GRCh37 (hg19) VCF-style: chr12-111351088-C-G.
Identifiers: ClinVar variation 382534 (VCV000382534.13), dbSNP rs768415509, ClinGen allele CA041584.